The following is an entry in ClinVar:

ClinVar aggregate classification (germline): Uncertain significance. Review status: criteria provided, single submitter (1 of 4 stars). 2 submissions from 2 submitters: Uncertain significance (1). 1 of the submissions does not count toward it. Last evaluated 2021-08-25.

Conditions:
Hemochromatosis type 1 (HFE1). Also called: HFE-Associated Hereditary Hemochromatosis; HFE-Related Hemochromatosis. Identifiers: Orphanet 465508, MedGen C3469186, MONDO:0021001, OMIM 235200. Disease mechanism: loss of function.
Hereditary hemochromatosis (HFE). Identifiers: MedGen C0392514, MONDO:0006507. Disease mechanism: loss of function.

Allele frequency attached by ClinVar (database versions not stated): gnomAD exomes below 0.00001 and 0.00002; TOPMed 0.00001; gnomAD 0.00001.
gnomAD v4.1: 10 of 1,614,050 alleles (0.00062%); highest among the groups gnomAD compares: Non-Finnish European, 0.00085%; no homozygotes.

Submissions (2):

Labcorp Genetics (formerly Invitae), Labcorp
Classification: Uncertain significance for Hereditary hemochromatosis. Last evaluated: 2021-08-25. Review status: criteria provided, single submitter. Criteria: Invitae Variant Classification Sherloc (09022015). Collection method: clinical testing. Allele origin: germline.
Comment: This sequence change replaces isoleucine with threonine at codon 105 of the HFE protein (p.Ile105Thr). The isoleucine residue is highly conserved and there is a moderate physicochemical difference between isoleucine and threonine. This variant is not present in population databases (ExAC no frequency). This missense change has been observed in individual(s) with hemochromatosis (PMID: 10575540). In at least one individual the data is consistent with the variant being in trans (on the opposite chromosome) from a pathogenic variant. ClinVar contains an entry for this variant (Variation ID: 12). Algorithms developed to predict the effect of missense changes on protein structure and function (SIFT, PolyPhen-2, Align-GVGD) all suggest that this variant is likely to be disruptive. In summary, the available evidence is currently insufficient to determine the role of this variant in disease. Therefore, it has been classified as a Variant of Uncertain Significance.

OMIM
Classification: Pathogenic for HEMOCHROMATOSIS, TYPE 1. Last evaluated: 1999-06-01. Review status: no assertion criteria provided. Collection method: literature only. Allele origin: germline. Not counted in ClinVar's aggregate classification.

Literature cited by the submitters: PubMed 10575540 (cited by Labcorp Genetics (formerly Invitae), Labcorp and OMIM).

NM_000410.4(HFE):c.314T>C (p.Ile105Thr)

Gene: HFE (homeostatic iron regulator; plus strand). Cytogenetic location: 6p22.2.
Variant type: single nucleotide variant.
Coding change: c.314T>C on transcript NM_000410.4 (MANE Select); coding-DNA position 314, T replaced by C.
Protein change: p.Ile105Thr; replaces isoleucine 105 with threonine.
Molecular consequence: missense variant. On other transcripts: intron variant (4).
Genome position (GRCh38, 1-based): chr6:26,091,078, T>C. VCF-style: chr6-26091078-T-C. GRCh37 (hg19) VCF-style: chr6-26091306-T-C.
Other names: c.314T>C, p.Ile105Thr (NM_001300749.3, NM_001384164.1, NM_001406751.1 and 3 more transcripts); c.245T>C, p.Ile82Thr (NM_139009.3); c.77-236T>C (NM_139007.3, NM_139008.3); c.77-1607T>C (NM_139010.3); c.77-2041T>C (NM_139011.3); short protein forms I105T, I82T.
Identifiers: ClinVar variation 12 (VCV000000012.4), dbSNP rs28934596, ClinGen allele CA280941.